The following is an entry in ClinVar:

ClinVar aggregate classification (germline): Uncertain significance. Review status: criteria provided, multiple submitters, no conflicts (2 of 4 stars). 2 submissions from 2 submitters: Uncertain significance (2). Last evaluated 2022-03-07.

Allele frequency attached by ClinVar (database versions not stated): ExAC 0.00001; gnomAD 0.00001; gnomAD exomes 0.00001; TOPMed 0.00001; ESP Exome Variant Server 0.00008.
gnomAD v4.1: 9 of 1,613,464 alleles (0.00056%); highest among the groups gnomAD compares: Non-Finnish European, 0.00076%; no homozygotes.

Submissions (2):

GeneDx
Classification: Uncertain significance. Last evaluated: 2022-03-07. Review status: criteria provided, single submitter. Criteria: GeneDx Variant Classification Process June 2021. Collection method: clinical testing. Allele origin: germline. Affected: yes.
Comment: Not observed at significant frequency in large population cohorts (gnomAD); In silico analysis supports that this missense variant has a deleterious effect on protein structure/function; Has not been previously reported as pathogenic or benign to our knowledge

Greenwood Genetic Center Diagnostic Laboratories, Greenwood Genetic Center
Classification: Uncertain significance. Last evaluated: 2021-05-13. Review status: criteria provided, single submitter. Criteria: ACMG Guidelines, 2015. Collection method: clinical testing. Allele origin: germline. Affected: yes.
Comment: PM2

NM_007118.4(TRIO):c.7874C>T (p.Thr2625Ile)

Gene: TRIO (trio Rho guanine nucleotide exchange factor; plus strand). Cytogenetic location: 5p15.2.
Variant type: single nucleotide variant.
Coding change: c.7874C>T on transcript NM_007118.4 (MANE Select); coding-DNA position 7874, C replaced by T.
Protein change: p.Thr2625Ile; replaces threonine 2625 with isoleucine.
Molecular consequence: missense variant. On other transcripts: non-coding transcript variant (1).
Genome position (GRCh38, 1-based): chr5:14,492,808, C>T. VCF-style: chr5-14492808-C-T. GRCh37 (hg19) VCF-style: chr5-14492917-C-T.
Other names: c.7874C>T (NM_007118.2); short protein forms T2625I.
Identifiers: ClinVar variation 1334764 (VCV001334764.5), dbSNP rs375286965, ClinGen allele CA3207637.
Genomic context (GRCh38, chr5:14,492,808, plus strand): 5'-GGATTCCAGGCTTTGTCCTGGGCCACACCAGTGCAGTCATCGTGGAGAACCCGGACGGGA[C>T]TCTCAAGTGAGTGCTTGACAGTAACGGCGTCCTGGCAGGCAGCAGAGGGAGGGGGCACAG-3'
Protein context (NP_009049.2, residues 2615-2635): SAVIVENPDG[Thr2625Ile]LKKSTSWHTA